The following is an entry in ClinVar:

NM_181882.3(PRX):c.2107G>A (p.Asp703Asn)

Gene: PRX (periaxin; minus strand). Cytogenetic location: 19q13.2.
Variant type: single nucleotide variant.
Coding change: c.2107G>A on transcript NM_181882.3 (MANE Select); coding-DNA position 2107, G replaced by A.
Protein change: p.Asp703Asn; replaces aspartic acid 703 with asparagine.
Molecular consequence: missense variant. On other transcripts: 3 prime UTR variant (1).
Genome position (GRCh38, 1-based): chr19:40,396,245, C>T on the plus strand (G>A on the coding strand, the complement: PRX is on the minus strand). VCF-style: chr19-40396245-C-T. GRCh37 (hg19) VCF-style: chr19-40902152-C-T.
Other names: c.2392G>A, p.Asp798Asn (NM_001411127.1); c.*2312G>A (NM_020956.2); short protein forms D798N, D703N.
Identifiers: ClinVar variation 1786002 (VCV001786002.2), dbSNP rs756173103, ClinGen allele CA405896993.
Genomic context (GRCh38, chr19:40,396,245, plus strand): 5'-TCATGTCAGGGACTTTCATTTCACAGACTTTGGGCAGCTGCACCTCTGGGAGGTGCACAT[C>T]GGGCACGGCCATTTCAGGCACCTTGGGGAGTTTCATCTCTGAGACTTTTGGCAGCTGCAC-3'
Protein context (NP_870998.2, residues 693-713): LPKVPEMAVP[Asp703Asn]VHLPEVQLPK

ClinVar aggregate classification (germline): Uncertain significance (1 of 4 stars; one submission).

Conditions:
Inborn genetic diseases. Identifiers: MedGen C0950123, MeSH D030342.

gnomAD v4.1: 8 of 1,613,584 alleles (0.0005%); highest among the groups gnomAD compares: African/African-American, 0.0013%; no homozygotes.

Submission:

Ambry Genetics
Classification: Uncertain significance for Inborn genetic diseases. Last evaluated: 2020-02-03. Review status: criteria provided, single submitter. Criteria: Ambry Variant Classification Scheme 2023. Collection method: clinical testing. Allele origin: germline.
Comment: The p.D703N variant (also known as c.2107G>A), located in coding exon 4 of the PRX gene, results from a G to A substitution at nucleotide position 2107. The aspartic acid at codon 703 is replaced by asparagine, an amino acid with highly similar properties. This amino acid position is not well conserved in available vertebrate species. In addition, this alteration is predicted to be tolerated by in silico analysis. Since supporting evidence is limited at this time, the clinical significance of this alteration remains unclear.